The following is an entry in ClinVar:

NM_003200.5(TCF3):c.1406C>A (p.Pro469Gln)

Gene: TCF3 (transcription factor 3; minus strand). Cytogenetic location: 19p13.3.
Variant type: single nucleotide variant.
Coding change: c.1406C>A on transcript NM_003200.5 (MANE Select); coding-DNA position 1406, C replaced by A.
Protein change: p.Pro469Gln; replaces proline 469 with glutamine.
Molecular consequence: missense variant.
Genome position (GRCh38, 1-based): chr19:1,619,155, G>T on the plus strand (C>A on the coding strand, the complement: TCF3 is on the minus strand). VCF-style: chr19-1619155-G-T. GRCh37 (hg19) VCF-style: chr19-1619154-G-T.
Other names: c.1406C>A, p.Pro469Gln (NM_001136139.4, NM_001351779.2); c.1403C>A, p.Pro468Gln (NM_001351778.2); short protein forms P468Q, P469Q.
Identifiers: ClinVar variation 2888570 (VCV002888570.3), dbSNP rs371449253, ClinGen allele CA16040547.

ClinVar aggregate classification (germline): Uncertain significance (1 of 4 stars; one submission).

Allele frequency attached by ClinVar (database versions not stated): gnomAD exomes below 0.00001; gnomAD 0.00001; TOPMed 0.00001.
gnomAD v4.1: 3 of 1,600,062 alleles (0.00019%); highest among the groups gnomAD compares: Non-Finnish European, 0.00025%; no homozygotes.

Submission:

Labcorp Genetics (formerly Invitae), Labcorp
Classification: Uncertain significance. Last evaluated: 2024-10-07. Review status: criteria provided, single submitter. Criteria: Invitae Variant Classification Sherloc (09022015). Collection method: clinical testing. Allele origin: germline.
Comment: This sequence change replaces proline, which is neutral and non-polar, with glutamine, which is neutral and polar, at codon 469 of the TCF3 protein (p.Pro469Gln). This variant is not present in population databases (gnomAD no frequency). This variant has not been reported in the literature in individuals affected with TCF3-related conditions. Invitae Evidence Modeling of protein sequence and biophysical properties (such as structural, functional, and spatial information, amino acid conservation, physicochemical variation, residue mobility, and thermodynamic stability) indicates that this missense variant is not expected to disrupt TCF3 protein function with a negative predictive value of 80%. In summary, the available evidence is currently insufficient to determine the role of this variant in disease. Therefore, it has been classified as a Variant of Uncertain Significance.